The following is an entry in ClinVar:

NM_022893.4(BCL11A):c.310del (p.Gln104fs)

Gene: BCL11A (BCL11 transcription factor A; minus strand). Cytogenetic location: 2p16.1.
Variant type: Deletion.
Coding change: c.310del on transcript NM_022893.4 (MANE Select); coding-DNA position 310, one base deleted (C; older notation c.310delC).
Protein change: p.Gln104fs; shifts the reading frame from glutamine 104.
Molecular consequence: frameshift variant.
Genome position (GRCh38, 1-based): chr2:60,546,046, G deleted on the plus strand (C on the coding strand, the reverse complement: BCL11A is on the minus strand); the first of 2 consecutive G bases (chr2:60,546,046-60,546,047); deleting either gives the same sequence. VCF-style (leftmost placement, unchanged base first): chr2-60546045-TG-T. GRCh37 (hg19) VCF-style: chr2-60773180-TG-T.
Other names: c.310del, p.Gln104fs (NM_001363864.1, NM_001365609.1, NM_018014.4 and 1 more transcripts); short protein forms Q104fs.
Identifiers: ClinVar variation 1208340 (VCV001208340.3), dbSNP rs2104749307, ClinGen allele CA2499216170.

ClinVar aggregate classification (germline): Pathogenic (1 of 4 stars; one submission).

Submission:

GeneDx
Classification: Pathogenic. Last evaluated: 2019-10-01. Review status: criteria provided, single submitter. Criteria: GeneDx Variant Classification Process June 2021. Collection method: clinical testing. Allele origin: germline. Affected: yes.
Comment: Frameshift variant predicted to result in protein truncation or nonsense mediated decay in a gene for which loss-of-function is a known mechanism of disease; Not observed in large population cohorts (Lek et al., 2016); Has not been previously published as pathogenic or benign to our knowledge